The following is an entry in ClinVar:

NM_152490.5(B3GALNT2):c.1030G>A (p.Val344Met)

Gene: B3GALNT2 (beta-1,3-N-acetylgalactosaminyltransferase 2; minus strand). Cytogenetic location: 1q42.3.
Variant type: single nucleotide variant.
Coding change: c.1030G>A on transcript NM_152490.5 (MANE Select); coding-DNA position 1030, G replaced by A.
Protein change: p.Val344Met; replaces valine 344 with methionine.
Molecular consequence: missense variant.
Genome position (GRCh38, 1-based): chr1:235,455,680, C>T on the plus strand (G>A on the coding strand, the complement: B3GALNT2 is on the minus strand). VCF-style: chr1-235455680-C-T. GRCh37 (hg19) VCF-style: chr1-235618992-C-T.
Other names: short protein forms V344M.
Identifiers: ClinVar variation 2166330 (VCV002166330.4), dbSNP rs776986947, ClinGen allele CA1464709.

ClinVar aggregate classification (germline): Uncertain significance (1 of 4 stars; one submission).

Conditions:
Muscular dystrophy-dystroglycanopathy (congenital with brain and eye anomalies), type a, 11 (MDDGA11). Also called: Congenital muscular dystrophy-dystroglycanopathy with brain and eye anomalies, type A11; Muscular dystrophy-dystroglycanopathy (congenital with brain and eye anomalies, type A, 11; WALKER-WARBURG SYNDROME OR MUSCLE-EYE-BRAIN DISEASE, B3GALNT2-RELATED. Identifiers: Orphanet 588, Orphanet 899, MedGen C3554638, MONDO:0014071, OMIM 615181.

Allele frequency attached by ClinVar (database versions not stated): ExAC 0.00001; TOPMed 0.00002.

Submission:

Labcorp Genetics (formerly Invitae), Labcorp
Classification: Uncertain significance for Muscular dystrophy-dystroglycanopathy (congenital with brain and eye anomalies), type a, 11. Last evaluated: 2021-12-30. Review status: criteria provided, single submitter. Criteria: Invitae Variant Classification Sherloc (09022015). Collection method: clinical testing. Allele origin: germline.
Comment: This variant is present in population databases (rs776986947, gnomAD 0.003%). This sequence change replaces valine, which is neutral and non-polar, with methionine, which is neutral and non-polar, at codon 344 of the B3GALNT2 protein (p.Val344Met). This variant has not been reported in the literature in individuals affected with B3GALNT2-related conditions. Algorithms developed to predict the effect of missense changes on protein structure and function output the following: SIFT: "Tolerated"; PolyPhen-2: "Benign"; Align-GVGD: "Class C0". The methionine amino acid residue is found in multiple mammalian species, which suggests that this missense change does not adversely affect protein function. In summary, the available evidence is currently insufficient to determine the role of this variant in disease. Therefore, it has been classified as a Variant of Uncertain Significance.